The following is an entry in ClinVar:

ClinVar aggregate classification (germline): Uncertain significance (1 of 4 stars; one submission).

Conditions:
PIGV-related disorder. Also called: PIGV-related disorders; PIGV-related condition.

Submission:

PreventionGenetics, part of Exact Sciences
Classification: Uncertain significance for PIGV-related condition. Last evaluated: 2025-09-12. Review status: criteria provided, single submitter. Criteria: ACMG Guidelines, 2015. Collection method: clinical testing. Allele origin: germline.
Comment: The PIGV c.541A>G variant is predicted to result in the amino acid substitution p.Met181Val. To our knowledge, this variant has not been reported in the literature. This variant is reported in 0.0029% of alleles in individuals of Latino descent in gnomAD. At this time, the clinical significance of this variant is uncertain due to the absence of conclusive functional and genetic evidence.

NM_017837.4(PIGV):c.541A>G (p.Met181Val)

Gene: PIGV (phosphatidylinositol glycan anchor biosynthesis class V; plus strand). Cytogenetic location: 1p36.11.
Variant type: single nucleotide variant.
Coding change: c.541A>G on transcript NM_017837.4 (MANE Select); coding-DNA position 541, A replaced by G.
Protein change: p.Met181Val; replaces methionine 181 with valine.
Molecular consequence: missense variant. On other transcripts: non-coding transcript variant (1), intron variant (3).
Genome position (GRCh38, 1-based): chr1:26,794,575, A>G. VCF-style: chr1-26794575-A-G. GRCh37 (hg19) VCF-style: chr1-27121066-A-G.
Other names: c.541A>G, p.Met181Val (NM_001202554.2, NM_001374478.1, NM_001374480.1 and 2 more transcripts); c.160A>G, p.Met54Val (NM_001374483.1); c.173-259A>G (NM_001374484.1, NM_001374485.1); c.79-2988A>G (NM_001374486.1); short protein forms M181V, M54V.
Identifiers: ClinVar variation 4983474 (VCV004983474.1).